The following is an entry in ClinVar:

NM_003982.4(SLC7A7):c.1123G>A (p.Val375Met)

Gene: SLC7A7 (solute carrier family 7 member 7; minus strand). Cytogenetic location: 14q11.2.
Variant type: single nucleotide variant.
Coding change: c.1123G>A on transcript NM_003982.4 (MANE Select); coding-DNA position 1123, G replaced by A.
Protein change: p.Val375Met; replaces valine 375 with methionine.
Molecular consequence: missense variant.
Genome position (GRCh38, 1-based): chr14:22,774,476, C>T on the plus strand (G>A on the coding strand, the complement: SLC7A7 is on the minus strand). VCF-style: chr14-22774476-C-T. GRCh37 (hg19) VCF-style: chr14-23243685-C-T.
Other names: c.1123G>A, p.Val375Met (NM_001126105.3, NM_001126106.4); short protein forms V375M.
Identifiers: ClinVar variation 575188 (VCV000575188.9), dbSNP rs769093980, ClinGen allele CA7104472.

ClinVar aggregate classification (germline): Uncertain significance. Review status: criteria provided, multiple submitters, no conflicts (2 of 4 stars). 4 submissions from 4 submitters: Uncertain significance (3). 1 of the submissions does not count toward it. Last evaluated 2024-04-15.

Conditions:
Lysinuric protein intolerance (LPI). Identifiers: Orphanet 470, MedGen C0268647, MONDO:0009109, OMIM 222700.
Inborn genetic diseases. Identifiers: MedGen C0950123, MeSH D030342.

Allele frequency attached by ClinVar (database versions not stated): gnomAD exomes 0.00002 and 0.00004; ExAC 0.00003; gnomAD 0.00003 and 0.00004; TOPMed 0.00006.
gnomAD v4.1: 35 of 1,614,124 alleles (0.0022%); highest among the groups gnomAD compares: East Asian, 0.049%; no homozygotes.

Submissions (4):

Fulgent Genetics
Classification: Uncertain significance for Lysinuric protein intolerance. Last evaluated: 2024-04-15. Review status: criteria provided, single submitter. Criteria: ACMG Guidelines, 2015. Collection method: clinical testing. Allele origin: germline.

Labcorp Genetics (formerly Invitae), Labcorp
Classification: Uncertain significance for Lysinuric protein intolerance. Last evaluated: 2022-07-05. Review status: criteria provided, single submitter. Criteria: Invitae Variant Classification Sherloc (09022015). Collection method: clinical testing. Allele origin: germline.
Comment: This sequence change replaces valine, which is neutral and non-polar, with methionine, which is neutral and non-polar, at codon 375 of the SLC7A7 protein (p.Val375Met). This variant is present in population databases (rs769093980, gnomAD 0.03%). This variant has not been reported in the literature in individuals affected with SLC7A7-related conditions. ClinVar contains an entry for this variant (Variation ID: 575188). Algorithms developed to predict the effect of missense changes on protein structure and function are either unavailable or do not agree on the potential impact of this missense change (SIFT: "Deleterious"; PolyPhen-2: "Probably Damaging"; Align-GVGD: "Class C0"). In summary, the available evidence is currently insufficient to determine the role of this variant in disease. Therefore, it has been classified as a Variant of Uncertain Significance.

Ambry Genetics
Classification: Uncertain significance for Inborn genetic diseases. Last evaluated: 2021-10-12. Review status: criteria provided, single submitter. Criteria: Ambry Variant Classification Scheme 2023. Collection method: clinical testing. Allele origin: germline.

Natera, Inc.
Classification: Uncertain significance for Lysinuric protein intolerance. Last evaluated: 2019-11-11. Review status: no assertion criteria provided. Collection method: clinical testing. Allele origin: germline. Not counted in ClinVar's aggregate classification.